The following is an entry in ClinVar:

NM_015459.5(ATL3):c.545A>G (p.Asp182Gly)

Genes: ATL3 (atlastin GTPase 3; minus strand), LNCROPM (lncRNA regulator of PLAAT3 mediated phospholipid metabolism; plus strand). Cytogenetic location: 11q13.1.
Variant type: single nucleotide variant.
Coding change: c.545A>G on transcript NM_015459.5 (MANE Select); coding-DNA position 545, A replaced by G.
Protein change: p.Asp182Gly; replaces aspartic acid 182 with glycine.
Molecular consequence: missense variant.
Genome position (GRCh38, 1-based): chr11:63,651,952, T>C on the plus strand (A>G on the coding strand, the complement: ATL3 is on the minus strand). VCF-style: chr11-63651952-T-C. GRCh37 (hg19) VCF-style: chr11-63419424-T-C.
Other names: c.491A>G, p.Asp164Gly (NM_001290048.2); short protein forms D164G, D182G.
Identifiers: ClinVar variation 2804888 (VCV002804888.3), dbSNP rs2495681724, ClinGen allele CA381026891.

ClinVar aggregate classification (germline): Uncertain significance (1 of 4 stars; one submission).

Conditions:
Neuropathy, hereditary sensory, type 1F. Also called: HSN IF; Hereditary sensory neuropathy type IF. Identifiers: Orphanet 36386, MedGen C3810194, MONDO:0014286, OMIM 615632.

Allele frequency attached by ClinVar (database versions not stated): gnomAD exomes below 0.00001.
gnomAD v4.1: 2 of 1,599,998 alleles (0.00013%); highest among the groups gnomAD compares: Non-Finnish European, 0.00017%; no homozygotes.

Submission:

Labcorp Genetics (formerly Invitae), Labcorp
Classification: Uncertain significance for Neuropathy, hereditary sensory, type 1F. Last evaluated: 2023-12-28. Review status: criteria provided, single submitter. Criteria: Invitae Variant Classification Sherloc (09022015). Collection method: clinical testing. Allele origin: germline.
Comment: This sequence change replaces aspartic acid, which is acidic and polar, with glycine, which is neutral and non-polar, at codon 182 of the ATL3 protein (p.Asp182Gly). This variant is not present in population databases (gnomAD no frequency). This variant has not been reported in the literature in individuals affected with ATL3-related conditions. Advanced modeling of protein sequence and biophysical properties (such as structural, functional, and spatial information, amino acid conservation, physicochemical variation, residue mobility, and thermodynamic stability) performed at Invitae indicates that this missense variant is expected to disrupt ATL3 protein function with a positive predictive value of 80%. In summary, the available evidence is currently insufficient to determine the role of this variant in disease. Therefore, it has been classified as a Variant of Uncertain Significance.